The following is an entry in ClinVar:

ClinVar aggregate classification (germline): Uncertain significance. Review status: criteria provided, multiple submitters, no conflicts (2 of 4 stars). 3 submissions from 3 submitters: Uncertain significance (2). 1 of the submissions does not count toward it. Last evaluated 2022-08-10.

Conditions:
Granulomatous disease, chronic, autosomal recessive, cytochrome b-positive, type 2. Also called: GRANULOMATOUS DISEASE, CHRONIC, AUTOSOMAL RECESSIVE, 2; Chronic granulomatous disease due to deficiency of NCF-2; Chronic Granulomatous Disease, Autosomal Recessive, Cytochrome b-Positive, Type II; CGD, AUTOSOMAL RECESSIVE CYTOCHROME b-POSITIVE, TYPE II; GRANULOMATOUS DISEASE, CHRONIC, DUE TO NCF2 DEFICIENCY. Identifiers: Orphanet 379, MedGen C1856245, MONDO:0009310, OMIM 233710.

Allele frequency attached by ClinVar (database versions not stated): gnomAD 0.00003; TOPMed 0.00005; ESP Exome Variant Server 0.00008; 1000 Genomes Project 30x 0.00016; 1000 Genomes Project 0.00020.
gnomAD v4.1: 60 of 1,614,040 alleles (0.0037%); highest among the groups gnomAD compares: Admixed American, 0.0067%; no homozygotes.

Submissions (3):

Labcorp Genetics (formerly Invitae), Labcorp
Classification: Uncertain significance for Granulomatous disease, chronic, autosomal recessive, cytochrome b-positive, type 2. Last evaluated: 2022-08-10. Review status: criteria provided, single submitter. Criteria: Invitae Variant Classification Sherloc (09022015). Collection method: clinical testing. Allele origin: germline.
Comment: This sequence change replaces arginine, which is basic and polar, with glutamine, which is neutral and polar, at codon 523 of the NCF2 protein (p.Arg523Gln). This variant is present in population databases (rs139108402, gnomAD 0.005%). This variant has not been reported in the literature in individuals affected with NCF2-related conditions. ClinVar contains an entry for this variant (Variation ID: 973653). Algorithms developed to predict the effect of missense changes on protein structure and function (SIFT, PolyPhen-2, Align-GVGD) all suggest that this variant is likely to be tolerated. Algorithms developed to predict the effect of sequence changes on RNA splicing suggest that this variant may disrupt the consensus splice site. In summary, the available evidence is currently insufficient to determine the role of this variant in disease. Therefore, it has been classified as a Variant of Uncertain Significance.

Blueprint Genetics
Classification: Uncertain significance. Last evaluated: 2022-02-17. Review status: criteria provided, single submitter. Criteria: ACMG Guidelines, 2015. Collection method: clinical testing. Allele origin: germline.

UOSD Laboratory of Genetics & Genomics of Rare Diseases, Istituto Giannina Gaslini
Classification: Uncertain significance for Granulomatous disease, chronic, autosomal recessive, cytochrome b-positive, type 2. Last evaluated: 2020-05-21. Review status: no assertion criteria provided. Collection method: clinical testing. Allele origin: germline. Affected: yes. Observed: 1 variant allele. Not counted in ClinVar's aggregate classification.

NM_000433.4(NCF2):c.1568G>A (p.Arg523Gln)

Gene: NCF2 (neutrophil cytosolic factor 2; minus strand). Cytogenetic location: 1q25.3.
Variant type: single nucleotide variant.
Coding change: c.1568G>A on transcript NM_000433.4 (MANE Select); coding-DNA position 1568, G replaced by A.
Protein change: p.Arg523Gln; replaces arginine 523 with glutamine.
Molecular consequence: missense variant.
Genome position (GRCh38, 1-based): chr1:183,556,131, C>T on the plus strand (G>A on the coding strand, the complement: NCF2 is on the minus strand). VCF-style: chr1-183556131-C-T. GRCh37 (hg19) VCF-style: chr1-183525266-C-T.
Other names: c.1568G>A, p.Arg523Gln (NM_001127651.3); c.1325G>A, p.Arg442Gln (NM_001190789.2); c.1433G>A, p.Arg478Gln (NM_001190794.2); short protein forms R442Q, R523Q, R478Q.
Identifiers: ClinVar variation 973653 (VCV000973653.8), dbSNP rs139108402, ClinGen allele CA1284565.